The following is an entry in ClinVar:

ClinVar aggregate classification (germline): Benign (1 of 4 stars; one submission).

Submission:

GeneDx
Classification: Benign. Last evaluated: 2018-06-19. Review status: criteria provided, single submitter. Criteria: GeneDx Variant Classification (06012015). Collection method: clinical testing. Allele origin: germline. Affected: yes.
Comment: This variant is considered likely benign or benign based on one or more of the following criteria: it is a conservative change, it occurs at a poorly conserved position in the protein, it is predicted to be benign by multiple in silico algorithms, and/or has population frequency not consistent with disease.

NM_001165963.4(SCN1A):c.694+224dup

Gene: SCN1A (sodium voltage-gated channel alpha subunit 1; minus strand). Cytogenetic location: 2q24.3.
Variant type: Duplication.
Coding change: c.694+224dup on transcript NM_001165963.4 (MANE Select); 224 bases into the intron after coding-DNA position 694, one base duplicated (G; older notation c.694+224dupG).
Molecular consequence: intron variant.
Genome position (GRCh38, 1-based): chr2:166,052,626, C duplicated on the plus strand (G on the coding strand, the reverse complement: SCN1A is on the minus strand); the first of 3 consecutive C bases (chr2:166,052,626-166,052,628); duplicating any one gives the same sequence. VCF-style (leftmost placement, unchanged base first): chr2-166052625-A-AC. GRCh37 (hg19) VCF-style: chr2-166909135-A-AC.
Other names: c.694+224dup (NM_001353949.2, NM_001353958.2, NM_001353950.2 and 10 more transcripts); c.-1732+224dup (NM_001353961.2).
Identifiers: ClinVar variation 672676 (VCV000672676.1), dbSNP rs1553550372, ClinGen allele CA59802099.